The following is an entry in ClinVar:

ClinVar aggregate classification (germline): Pathogenic (1 of 4 stars; one submission).

Conditions:
NRXN1-related severe neurodevelopmental disorder-motor stereotypies-chronic constipation-sleep-wake cycle disturbance. Identifiers: MedGen C5681528, MONDO:0035774.

Submission:

Women's Health and Genetics/Laboratory Corporation of America, LabCorp
Classification: Pathogenic for NRXN1-related severe neurodevelopmental disorder-motor stereotypies-chronic constipation-sleep-wake cycle disturbance. Last evaluated: 2026-06-04. Review status: criteria provided, single submitter. Criteria: LabCorp Variant Classification Summary - May 2015. Collection method: clinical testing. Allele origin: germline.
Comment: Variant summary: The variant involves the deletion of exons 4-6 in the NRXN1 gene. A presumed nomenclature of c.(871+1_872-1)_(931+1_932-1)del has been designated for the purposes of this classification. The variant was absent in 21694 control chromosomes. c.(871+1_872-1)_(931+1_932-1)del has been observed in multiple individuals affected with NRXN1-Related Severe Neurodevelopmental Disorder-Motor Stereotypies-Chronic Constipation-Sleep Cycle Disturbance (PMID: 30031152, 23207424, 25661985, and internal data). These data indicate that the variant is very likely to be associated with disease. To our knowledge, no experimental evidence demonstrating an impact on protein function has been reported. The following publications have been ascertained in the context of this evaluation (PMID: 30031152, 23207424, 25661985). ClinVar contains an entry for this variant (Variation ID: 539895). Based on the evidence outlined above, the variant was classified as pathogenic.

Literature cited by the submitters: PubMed 30031152; PubMed 23207424; PubMed 25661985.

NC_000002.11:g.(50850754_51149006)_(51153094_51253508)del

Gene: NRXN1 (neurexin 1; minus strand). Cytogenetic location: 2p16.3.
Variant type: Deletion.
Identifiers: ClinVar variation 4887507 (VCV004887507.1).